The following is an entry in ClinVar:

NM_002693.3(POLG):c.2982-30G>A

Gene: POLG (DNA polymerase gamma, catalytic subunit; minus strand). Cytogenetic location: 15q26.1.
Variant type: single nucleotide variant.
Coding change: c.2982-30G>A on transcript NM_002693.3 (MANE Select); 30 bases into the intron before coding-DNA position 2982, G replaced by A.
Molecular consequence: intron variant.
Genome position (GRCh38, 1-based): chr15:89,319,380, C>T on the plus strand (G>A on the coding strand, the complement: POLG is on the minus strand). VCF-style: chr15-89319380-C-T. GRCh37 (hg19) VCF-style: chr15-89862611-C-T.
Other names: p.?; c.2982-30G>A (NM_001126131.2).
Identifiers: ClinVar variation 619498 (VCV000619498.3), dbSNP rs76339822, ClinGen allele CA7724290.

ClinVar aggregate classification (germline): Benign/Likely benign. Review status: criteria provided, multiple submitters, no conflicts (2 of 4 stars). 3 submissions from 3 submitters: Benign (2); Likely benign (1). Last evaluated 2025-06-13.

Conditions:
Progressive sclerosing poliodystrophy (MTDPS4A). Also called: Alpers-Huttenlocher Syndrome (AHS); Alpers Syndrome; ALPERS PROGRESSIVE INFANTILE POLIODYSTROPHY; Mitochondrial DNA depletion syndrome 4A (Alpers type); ALPERS DIFFUSE DEGENERATION OF CEREBRAL GRAY MATTER WITH HEPATIC CIRRHOSIS; Alpers-Huttenlocher Syndrome. Identifiers: Orphanet 726, MedGen C0205710, MONDO:0008758, OMIM 203700.

Allele frequency attached by ClinVar (database versions not stated): 1000 Genomes Project 0.00040; 1000 Genomes Project 30x 0.00047; gnomAD exomes 0.00079 and 0.00151; ExAC 0.00083; gnomAD 0.00098; ESP Exome Variant Server 0.00100; TOPMed 0.00104.

Submissions (3):

Mayo Clinic Laboratories, Mayo Clinic
Classification: Likely benign. Last evaluated: 2025-06-13. Review status: criteria provided, single submitter. Criteria: ACMG Guidelines, 2015. Collection method: clinical testing. Allele origin: germline. Observed: 3 variant alleles.
Comment: BP4, BP7

Wong Mito Lab, Molecular and Human Genetics, Baylor College of Medicine
Classification: Benign for Progressive sclerosing poliodystrophy. Last evaluated: 2018-10-01. Review status: criteria provided, single submitter. Criteria: ACMG Guidelines, 2015. Collection method: clinical testing. Allele origin: germline.
Comment: The NM_002693.2:c.2982-30G>A (NP_002684.1:p.=) [GRCH38: NC_000015.10:g.89319380C>T] variant in POLG gene is interpretated to be a Benign based on ACMG guidelines (PMID: 25741868). This variant meets the following evidence codes reported in the ACMG-guideline. BS1:The minor allele frequency of this allele is high for Mitochondrial DNA depletion syndrome 4A (Alpers type). BS2:Observation of the variant in controls is inconsistent with penetrance of Mitochondrial DNA depletion syndrome 4A (Alpers type). BP4:Computational evidence/predictors indicate no impact on the POLG structure, function, or protein-protein interaction. Based on the evidence criteria codes applied, the variant is suggested to be Benign.

Breakthrough Genomics
Classification: Benign. Review status: criteria provided, single submitter. Criteria: ACMG Guidelines, 2015. Collection method: not provided. Allele origin: germline. Inheritance: Autosomal recessive inheritance. Affected: yes.